The following is an entry in ClinVar:

ClinVar aggregate classification (germline): Uncertain significance (1 of 4 stars; one submission).

Conditions:
Long QT syndrome (LQTS). Identifiers: MedGen C0023976, MeSH D008133, MONDO:0002442. Disease mechanism: loss of function. Inheritance: Various modes of inheritance.

Submission:

Labcorp Genetics (formerly Invitae), Labcorp
Classification: Uncertain significance for Long QT syndrome. Last evaluated: 2026-01-12. Review status: criteria provided, single submitter. Criteria: Invitae Variant Classification Sherloc (09022015). Collection method: clinical testing. Allele origin: germline.
Comment: This sequence change replaces isoleucine, which is neutral and non-polar, with methionine, which is neutral and non-polar, at codon 1464 of the AKAP9 protein (p.Ile1464Met). This variant is not present in population databases (gnomAD no frequency). This variant has not been reported in the literature in individuals affected with AKAP9-related conditions. An algorithm developed to predict the effect of missense changes on protein structure and function (PolyPhen-2) suggests that this variant is likely to be tolerated. In summary, the available evidence is currently insufficient to determine the role of this variant in disease. Therefore, it has been classified as a Variant of Uncertain Significance.

NM_005751.5(AKAP9):c.4392A>G (p.Ile1464Met)

Gene: AKAP9 (A-kinase anchoring protein 9; plus strand). Cytogenetic location: 7q21.2.
Variant type: single nucleotide variant.
Coding change: c.4392A>G on transcript NM_005751.5 (MANE Select); coding-DNA position 4392, A replaced by G.
Protein change: p.Ile1464Met; replaces isoleucine 1464 with methionine.
Molecular consequence: missense variant.
Genome position (GRCh38, 1-based): chr7:92,038,472, A>G. VCF-style: chr7-92038472-A-G. GRCh37 (hg19) VCF-style: chr7-91667786-A-G.
Other names: c.4392A>G, p.Ile1464Met (NM_147185.3); short protein forms I1464M.
Identifiers: ClinVar variation 4777787 (VCV004777787.1).
Genomic context (GRCh38, chr7:92,038,472, plus strand): 5'-TCTTTAGGTTATTGTGTCAATGAGTATAGCATTTGCTCAACAAACTGAACTGTCTAGAAT[A>G]TCTGGGGGAAAAGAAAATACTGCATCATCAAAGCAAGCACATGCTGTGTGTCAGCAAGAA-3'
Protein context (NP_005742.4, residues 1454-1474): AFAQQTELSR[Ile1464Met]SGGKENTASS